The following is an entry in ClinVar:

NM_001903.5(CTNNA1):c.2434-14del

Gene: CTNNA1 (catenin alpha 1; plus strand). Cytogenetic location: 5q31.2.
Variant type: Deletion.
Coding change: c.2434-14del on transcript NM_001903.5 (MANE Select); 14 bases into the intron before coding-DNA position 2434, one base deleted (T; older notation c.2434-14delT).
Molecular consequence: intron variant.
Genome position (GRCh38, 1-based): chr5:138,933,788, T deleted. VCF-style (leftmost placement, unchanged base first): chr5-138933787-CT-C. GRCh37 (hg19) VCF-style: chr5-138269476-CT-C.
Other names: c.2434-14del (NM_001323982.2, NM_001323984.2, NM_001323983.1); c.2505-14del (NM_001290307.3); c.2434-41del (NM_001323985.2); c.2341-14del (NM_001323986.2); c.2065-14del (NM_001290310.3); c.2125-14del (NM_001290309.3); c.1324-14del (NM_001323996.1, NM_001323993.1, NM_001323998.1 and 12 more transcripts); c.1395-14del (NM_001324005.1, NM_001324003.1, NM_001324002.1 and 1 more transcripts); and 4 more.
Identifiers: ClinVar variation 1570124 (VCV001570124.9), dbSNP rs778494401, ClinGen allele CA3432241.

ClinVar aggregate classification (germline): Likely benign. Review status: criteria provided, multiple submitters, no conflicts (2 of 4 stars). 2 submissions from 2 submitters: Likely benign (2). Last evaluated 2025-08-28.

Conditions:
Hereditary diffuse gastric adenocarcinoma (HDGC). Also called: DIFFUSE GASTRIC AND LOBULAR BREAST CANCER SYNDROME. Identifiers: Orphanet 26106, MedGen C1708349, MONDO:0007648, OMIM 137215.

Allele frequency attached by ClinVar (database versions not stated): gnomAD exomes below 0.00001 and 0.00002; TOPMed below 0.00001; ExAC 0.00002.

Submissions (2):

Labcorp Genetics (formerly Invitae), Labcorp
Classification: Likely benign. Last evaluated: 2025-08-28. Review status: criteria provided, single submitter. Criteria: Invitae Variant Classification Sherloc (09022015). Collection method: clinical testing. Allele origin: germline.

Myriad Genetics, Inc.
Classification: Likely benign for Hereditary diffuse gastric adenocarcinoma. Last evaluated: 2024-10-15. Review status: criteria provided, single submitter. Criteria: Myriad Autosomal Dominant, Autosomal Recessive and X-Linked Classification Criteria (2023). Collection method: clinical testing. Allele origin: unknown.
Comment: This variant is considered likely benign. This variant is intronic and is not expected to impact mRNA splicing.